The following is an entry in ClinVar:

NM_000256.3(MYBPC3):c.2587C>T (p.Pro863Ser)

Gene: MYBPC3 (myosin binding protein C3; minus strand). Cytogenetic location: 11p11.2.
Variant type: single nucleotide variant.
Coding change: c.2587C>T on transcript NM_000256.3 (MANE Select); coding-DNA position 2587, C replaced by T.
Protein change: p.Pro863Ser; replaces proline 863 with serine.
Molecular consequence: missense variant.
Genome position (GRCh38, 1-based): chr11:47,337,406, G>A on the plus strand (C>T on the coding strand, the complement: MYBPC3 is on the minus strand). VCF-style: chr11-47337406-G-A. GRCh37 (hg19) VCF-style: chr11-47358957-G-A.
Other names: short protein forms P863S.
Identifiers: ClinVar variation 923137 (VCV000923137.5), dbSNP rs2095883304, ClinGen allele CA380318036.

ClinVar aggregate classification (germline): Uncertain significance (1 of 4 stars; one submission).

Conditions:
Cardiomyopathy (CMYO). Also called: Cardiomyopathies. Identifiers: Orphanet 167848, MedGen C0878544, MONDO:0004994, HP:0001638. Inheritance: Various modes of inheritance.

Submission:

Color Diagnostics, LLC DBA Color Health
Classification: Uncertain significance for Cardiomyopathy. Last evaluated: 2023-12-05. Review status: criteria provided, single submitter. Criteria: ACMG Guidelines, 2015. Collection method: clinical testing. Allele origin: germline.
Comment: This missense variant replaces proline with serine at codon 863 of the MYBPC3 protein. Computational prediction tools and conservation analyses are inconclusive regarding the impact of this variant on the protein function. Computational splicing tools suggest that this variant may not impact RNA splicing. To our knowledge, functional assays have not been performed for this variant nor has this variant been reported in individuals affected with cardiovascular disorders in the literature. This variant has not been identified in the general population by the Genome Aggregation Database (gnomAD). Available evidence is insufficient to determine the role of this variant in disease conclusively. Therefore, this variant is classified as a Variant of Uncertain Significance.